The following is an entry in ClinVar:

NM_001370259.2(MEN1):c.721T>G (p.Cys241Gly)

Gene: MEN1 (menin 1; minus strand). Cytogenetic location: 11q13.1.
Variant type: single nucleotide variant.
Coding change: c.721T>G on transcript NM_001370259.2 (MANE Select); coding-DNA position 721, T replaced by G.
Protein change: p.Cys241Gly; replaces cysteine 241 with glycine.
Molecular consequence: missense variant. On other transcripts: non-coding transcript variant (4).
Genome position (GRCh38, 1-based): chr11:64,807,614, A>C on the plus strand (T>G on the coding strand, the complement: MEN1 is on the minus strand). VCF-style: chr11-64807614-A-C. GRCh37 (hg19) VCF-style: chr11-64575086-A-C.
Other names: c.736T>G, p.Cys246Gly (NM_000244.4, NM_001407145.1, NM_001407150.1 and 5 more transcripts); c.721T>G, p.Cys241Gly (NM_001370251.2, NM_001370260.2, NM_001370261.2 and 7 more transcripts); c.616T>G, p.Cys206Gly (NM_001370262.2, NM_001370263.2, NM_001407148.1 and 2 more transcripts); short protein forms C206G, C241G, C246G.
Identifiers: ClinVar variation 3236212 (VCV003236212.3), dbSNP rs1592649108, ClinGen allele CA381184474.

ClinVar aggregate classification (germline): Uncertain significance. Review status: criteria provided, multiple submitters, no conflicts (2 of 4 stars). 3 submissions from 3 submitters: Uncertain significance (3). Last evaluated 2025-01-09.

Conditions:
Hereditary cancer-predisposing syndrome. Also called: Hereditary Cancer Syndrome; Tumor predisposition; Neoplastic Syndromes, Hereditary; Hereditary neoplastic syndrome. Identifiers: Orphanet 140162, MedGen C0027672, MeSH D009386, MONDO:0015356.
Multiple endocrine neoplasia, type 1 (MEN1). Also called: WERMER SYNDROME; Endocrine adenomatosis multiple; MEN 1; MEN I; MEA I. Identifiers: Orphanet 652, MedGen C0025267, MeSH D018761, MONDO:0007540, OMIM 131100.

Submissions (3):

Quest Diagnostics Nichols Institute San Juan Capistrano
Classification: Uncertain significance. Last evaluated: 2025-01-09. Review status: criteria provided, single submitter. Criteria: Quest Diagnostics criteria. Collection method: clinical testing. Allele origin: unknown.

Ambry Genetics
Classification: Uncertain significance for Hereditary cancer-predisposing syndrome. Last evaluated: 2024-08-09. Review status: criteria provided, single submitter. Criteria: Ambry Variant Classification Scheme 2023. Collection method: clinical testing. Allele origin: germline.
Comment: The p.C241G variant (also known as c.721T>G), located in coding exon 3 of the MEN1 gene, results from a T to G substitution at nucleotide position 721. The cysteine at codon 241 is replaced by glycine, an amino acid with highly dissimilar properties. This amino acid position is highly conserved in available vertebrate species. In addition, this alteration is predicted to be deleterious by in silico analysis. Based on the available evidence, the clinical significance of this variant remains unclear.

MVZ Medizinische Genetik Mainz
Classification: Uncertain significance for Multiple endocrine neoplasia, type 1. Last evaluated: 2024-01-25. Review status: criteria provided, single submitter. Criteria: UK Practice Guidelines For Variant Classification V4 01 2020. Collection method: clinical testing. Allele origin: germline. Inheritance: Autosomal dominant inheritance. Affected: yes. Observed: 1 variant allele.
Comment: ACMG Criteria: PM2_SUP_MOD,PM5_SUP,PP3